The following is an entry in ClinVar:

NC_000022.11:g.(?_31754902)_(31815232_?)del

Genes: DEPDC5 (DEP domain containing 5, GATOR1 subcomplex subunit; plus strand), LOC130067262 (ATAC-STARR-seq lymphoblastoid active region 18872; plus strand). Cytogenetic location: 22q12.2-12.3.
Variant type: Deletion.
Identifiers: ClinVar variation 534829 (VCV000534829.1).

ClinVar aggregate classification (germline): Pathogenic (1 of 4 stars; one submission).

Conditions:
Epilepsy, familial focal, with variable foci 1 (FFEVF1). Also called: DEPDC5-Related Epilepsy. Identifiers: MedGen C4551983, MONDO:0024556, OMIM 604364.

Submission:

Labcorp Genetics (formerly Invitae), Labcorp
Classification: Pathogenic for Familial focal epilepsy with variable foci. Last evaluated: 2017-08-22. Review status: criteria provided, single submitter. Criteria: Invitae Variant Classification Sherloc (09022015). Collection method: clinical testing. Allele origin: germline.
Comment: A gross deletion of the genomic region encompassing the full coding sequence of the DEPDC5 gene has been identified. The boundaries of this event are unknown as the deletion extends beyond the assayed region for this gene and therefore may encompass additional genes. Gross deletions have not been reported in the literature in individuals with DEPDC5-related disease. Loss-of-function variants in DEPDC5 are known to be pathogenic (PMID: 23542697, 23542701). For these reasons, this variant has been classified as Pathogenic.